The following is an entry in ClinVar:

ClinVar aggregate classification (germline): Uncertain significance (1 of 4 stars; one submission).

Conditions:
STING-associated vasculopathy with onset in infancy. Also called: Sting-associated vasculopathy, infantile-onset. Identifiers: Orphanet 425120, MedGen C4014722, MONDO:0014405, OMIM 615934.

Submission:

Labcorp Genetics (formerly Invitae), Labcorp
Classification: Uncertain significance for STING-associated vasculopathy with onset in infancy. Last evaluated: 2026-02-01. Review status: criteria provided, single submitter. Criteria: Invitae Variant Classification Sherloc (09022015). Collection method: clinical testing. Allele origin: germline.
Comment: This sequence change falls in intron 3 of the TMEM173 gene. It does not directly change the encoded amino acid sequence of the TMEM173 protein. It affects a nucleotide within the consensus splice site. This variant is not present in population databases (gnomAD no frequency). This variant has not been reported in the literature in individuals affected with TMEM173-related conditions. Variants that disrupt the consensus splice site are a relatively common cause of aberrant splicing (PMID: 17576681, 9536098). Algorithms developed to predict the effect of sequence changes on RNA splicing suggest that this variant is not likely to affect RNA splicing. In summary, the available evidence is currently insufficient to determine the role of this variant in disease. Therefore, it has been classified as a Variant of Uncertain Significance.

Literature cited by the submitters: PubMed 17576681; PubMed 9536098.

NM_198282.4(STING1):c.227+3G>A

Gene: STING1 (stimulator of interferon response cGAMP interactor 1; minus strand). Cytogenetic location: 5q31.2.
Variant type: single nucleotide variant.
Coding change: c.227+3G>A on transcript NM_198282.4 (MANE Select); 3 bases into the intron after coding-DNA position 227, G replaced by A.
Molecular consequence: intron variant.
Genome position (GRCh38, 1-based): chr5:139,481,475, C>T on the plus strand (G>A on the coding strand, the complement: STING1 is on the minus strand). VCF-style: chr5-139481475-C-T. GRCh37 (hg19) VCF-style: chr5-138861060-C-T.
Other names: c.-130-133G>A (NM_001367258.1); c.227+3G>A (NM_001301738.2).
Identifiers: ClinVar variation 4706104 (VCV004706104.1).